The following is an entry in ClinVar:

NM_020699.4(GATAD2B):c.586G>A (p.Val196Met)

Gene: GATAD2B (GATA zinc finger domain containing 2B; minus strand). Cytogenetic location: 1q21.3.
Variant type: single nucleotide variant.
Coding change: c.586G>A on transcript NM_020699.4 (MANE Select); coding-DNA position 586, G replaced by A.
Protein change: p.Val196Met; replaces valine 196 with methionine.
Molecular consequence: missense variant.
Genome position (GRCh38, 1-based): chr1:153,818,802, C>T on the plus strand (G>A on the coding strand, the complement: GATAD2B is on the minus strand). VCF-style: chr1-153818802-C-T. GRCh37 (hg19) VCF-style: chr1-153791278-C-T.
Other names: short protein forms V196M.
Identifiers: ClinVar variation 1436380 (VCV001436380.8), dbSNP rs776367569, ClinGen allele CA1120836.

ClinVar aggregate classification (germline): Uncertain significance (1 of 4 stars; one submission).

Allele frequency attached by ClinVar (database versions not stated): TOPMed 0.00001; gnomAD exomes 0.00003 and 0.00004; ExAC 0.00006.

Submission:

Labcorp Genetics (formerly Invitae), Labcorp
Classification: Uncertain significance. Last evaluated: 2025-11-24. Review status: criteria provided, single submitter. Criteria: Invitae Variant Classification Sherloc (09022015). Collection method: clinical testing. Allele origin: germline.
Comment: This sequence change replaces valine, which is neutral and non-polar, with methionine, which is neutral and non-polar, at codon 196 of the GATAD2B protein (p.Val196Met). This variant is present in population databases (rs776367569, gnomAD 0.007%). This variant has not been reported in the literature in individuals affected with GATAD2B-related conditions. ClinVar contains an entry for this variant (Variation ID: 1436380). Invitae Evidence Modeling of protein sequence and biophysical properties (such as structural, functional, and spatial information, amino acid conservation, physicochemical variation, residue mobility, and thermodynamic stability) indicates that this missense variant is not expected to disrupt GATAD2B protein function with a negative predictive value of 80%. In summary, the available evidence is currently insufficient to determine the role of this variant in disease. Therefore, it has been classified as a Variant of Uncertain Significance.